The following is an entry in ClinVar:

NM_017780.4(CHD7):c.4850+4A>G

Gene: CHD7 (chromodomain helicase DNA binding protein 7; plus strand). Cytogenetic location: 8q12.2.
Variant type: single nucleotide variant.
Coding change: c.4850+4A>G on transcript NM_017780.4 (MANE Select); 4 bases into the intron after coding-DNA position 4850, A replaced by G.
Molecular consequence: intron variant.
Genome position (GRCh38, 1-based): chr8:60,842,056, A>G. VCF-style: chr8-60842056-A-G. GRCh37 (hg19) VCF-style: chr8-61754615-A-G.
Other names: c.1717-20173A>G (NM_001316690.1).
Identifiers: ClinVar variation 2574781 (VCV002574781.1), dbSNP rs2487948767, ClinGen allele CA2580617167.

ClinVar aggregate classification (germline): Uncertain significance (1 of 4 stars; one submission).

Allele frequency attached by ClinVar (database versions not stated): gnomAD exomes below 0.00001.
gnomAD v4.1: 2 of 1,607,514 alleles (0.00012%); highest among the groups gnomAD compares: Non-Finnish European, 0.00017%; no homozygotes.

Submission:

GeneDx
Classification: Uncertain significance. Last evaluated: 2023-01-31. Review status: criteria provided, single submitter. Criteria: GeneDx Variant Classification Process June 2021. Collection method: clinical testing. Allele origin: germline. Affected: yes.
Comment: Not observed at significant frequency in large population cohorts (gnomAD); In silico analysis suggests this variant may impact gene splicing. In the absence of RNA/functional studies, the actual effect of this sequence change is unknown.; Has not been previously published as pathogenic or benign to our knowledge